The following is an entry in ClinVar:

ClinVar aggregate classification (germline): Uncertain significance (1 of 4 stars; one submission).

Conditions:
Loeys-Dietz syndrome 2 (LDS2). Also called: TGFBR2-Related Loeys-Dietz Syndrome; AORTIC ANEURYSM, FAMILIAL THORACIC 3; MARFAN SYNDROME, TYPE II; Marfan syndrome, type 2 (formerly); Marfan Syndrome type 2; Marfan like connective tissue disorder. Identifiers: Orphanet 284973, Orphanet 558, MedGen C2674574, MONDO:0012427, OMIM 610168.

gnomAD v4.1: 1 of 1,602,748 alleles (0.000062%); highest among the groups gnomAD compares: Non-Finnish European, 0.000085%; no homozygotes.

Submission:

All of Us Research Program, National Institutes of Health
Classification: Uncertain significance for Loeys-Dietz syndrome 2. Last evaluated: 2023-10-02. Review status: criteria provided, single submitter. Criteria: ACMG Guidelines, 2015. Collection method: clinical testing. Allele origin: germline. Inheritance: Autosomal dominant inheritance. Observed: 1 variant allele, 1 heterozygote.
Comment: This missense variant replaces isoleucine with phenylalanine at codon 20 of the TGFBR2 protein. Computational prediction suggests that this variant may not impact protein structure and function (internally defined REVEL score threshold <= 0.5, PMID: 27666373). To our knowledge, functional studies have not been reported for this variant. This variant has not been reported in individuals affected with TGFBR2-related disorders in the literature. This variant has not been identified in the general population by the Genome Aggregation Database (gnomAD). The available evidence is insufficient to determine the role of this variant in disease conclusively. Therefore, this variant is classified as a Variant of Uncertain Significance.

This study involves interpretation of variants in research participants for the purpose of population health screening. Participant phenotype was not available at the time of variant classification. Additional details can be found in publication PMID: 35346344, PMCID: PMC8962531

NM_003242.6(TGFBR2):c.58A>T (p.Ile20Phe)

Gene: TGFBR2 (transforming growth factor beta receptor 2; plus strand). Cytogenetic location: 3p24.1.
Variant type: single nucleotide variant.
Coding change: c.58A>T on transcript NM_003242.6 (MANE Select); coding-DNA position 58, A replaced by T.
Protein change: p.Ile20Phe; replaces isoleucine 20 with phenylalanine.
Molecular consequence: missense variant. On other transcripts: 5 prime UTR variant (4), intron variant (2).
Genome position (GRCh38, 1-based): chr3:30,606,941, A>T. VCF-style: chr3-30606941-A-T. GRCh37 (hg19) VCF-style: chr3-30648433-A-T.
Other names: c.58A>T, p.Ile20Phe (NM_001024847.3, NM_001407126.1, NM_001407127.1 and 4 more transcripts); c.-226A>T (NM_001407133.1); c.-104A>T (NM_001407134.1); c.-151A>T (NM_001407135.1); c.-236A>T (NM_001407136.1); c.-12+348A>T (NM_001407129.1, NM_001407132.1); short protein forms I20F.
Identifiers: ClinVar variation 3073579 (VCV003073579.1), dbSNP rs1697933766, ClinGen allele CA351830569.